The following is an entry in ClinVar:

NM_001351132.2(PEX5):c.653T>C (p.Phe218Ser)

Gene: PEX5 (peroxisomal biogenesis factor 5; plus strand). Cytogenetic location: 12p13.31.
Variant type: single nucleotide variant.
Coding change: c.653T>C on transcript NM_001351132.2 (MANE Select); coding-DNA position 653, T replaced by C.
Protein change: p.Phe218Ser; replaces phenylalanine 218 with serine.
Molecular consequence: missense variant. On other transcripts: intron variant (15).
Genome position (GRCh38, 1-based): chr12:7,202,251, T>C. VCF-style: chr12-7202251-T-C. GRCh37 (hg19) VCF-style: chr12-7354847-T-C.
Other names: c.653T>C, p.Phe218Ser (NM_000319.5, NM_001131025.2, NM_001131026.2 and 6 more transcripts); c.698T>C, p.Phe233Ser (NM_001131023.2); c.643-361T>C (NM_001351124.3, NM_001351126.2, NM_001374646.1 and 10 more transcripts); c.688-361T>C (NM_001351135.3, NM_001351138.2); short protein forms F218S, F233S.
Identifiers: ClinVar variation 4530662 (VCV004530662.1).

ClinVar aggregate classification (germline): Pathogenic (1 of 4 stars; one submission).

Conditions:
Rhizomelic chondrodysplasia punctata type 5 (RCDP5). Identifiers: Orphanet 468717, MedGen C4225237, MONDO:0014743, OMIM 616716.

Submission:

Acibadem Labgen Genetic Diagnostic Center
Classification: Pathogenic for Rhizomelic chondrodysplasia punctata type 5. Review status: criteria provided, single submitter. Criteria: ACGS 2020. Collection method: clinical testing. Allele origin: biparental. Inheritance: Autosomal recessive inheritance. Affected: yes. Observed: 1 homozygote.
Comment: The variant is absent from population databases, including gnomAD and BRAVO (PM2_supporting). Multiple in-silico prediction tools support a deleterious effect (REVEL: 0.834; BayesDel: 0.4985; SpliceAI: 0.02) (PP3_supporting). The variant has been reported in five affected individuals (PMID: 33389129) (PM3_moderate) and shows an increased prevalence among affected individuals compared to controls (PS4_supporting). Co-segregation analysis demonstrated strong segregation with disease in five affected and seven unaffected family members (PP1_strong). The clinical presentation is highly specific and consistent with the phenotype known to be associated with this gene (PP4_supporting). Functional evidence from the published study (PMID: 33389129) indicates a damaging impact on protein function (PS3_moderate).

Literature cited by the submitters: PubMed 33389129.